The following is an entry in ClinVar:

ClinVar aggregate classification (germline): Uncertain significance (1 of 4 stars; one submission).

Submission:

Labcorp Genetics (formerly Invitae), Labcorp
Classification: Uncertain significance. Last evaluated: 2022-10-17. Review status: criteria provided, single submitter. Criteria: Invitae Variant Classification Sherloc (09022015). Collection method: clinical testing. Allele origin: germline.
Comment: This variant, c.2460_2462del, results in the deletion of 1 amino acid(s) of the EIF2AK3 protein (p.Glu821del), but otherwise preserves the integrity of the reading frame. This variant is present in population databases (rs767541817, gnomAD 0.04%). This variant has not been reported in the literature in individuals affected with EIF2AK3-related conditions. Experimental studies and prediction algorithms are not available or were not evaluated, and the functional significance of this variant is currently unknown. In summary, the available evidence is currently insufficient to determine the role of this variant in disease. Therefore, it has been classified as a Variant of Uncertain Significance.

NM_004836.7(EIF2AK3):c.2457AGA[1] (p.Glu821del)

Genes: EIF2AK3 (eukaryotic translation initiation factor 2 alpha kinase 3; minus strand), EIF2AK3-AS1 (EIF2AK3 antisense RNA 1; plus strand). Cytogenetic location: 2p11.2.
Variant type: Microsatellite.
Coding change: c.2457AGA[1] on transcript NM_004836.7 (MANE Select); one copy of the 3-base unit AGA starting at c.2457; the reference has two copies in a row; one copy, 3 bases deleted.
Protein change: p.Glu821del; deletes glutamic acid 821.
Molecular consequence: inframe deletion. On other transcripts: non-coding transcript variant (1).
Genome position (GRCh38, 1-based): chr2:88,575,021-88,575,023, TCT deleted on the plus strand (AGA on the coding strand, the reverse complement: EIF2AK3 is on the minus strand); deleting any 3 consecutive bases within chr2:88,575,021-88,575,027 gives the same sequence; the position shown is the placement nearest the transcript's 3' end. VCF-style (leftmost placement, unchanged base first): chr2-88575020-CTCT-C. GRCh37 (hg19) VCF-style: chr2-88874538-CTCT-C.
Other names: c.2004AGA[1], p.Glu670del (NM_001313915.2); short protein forms E670del, E821del.
Identifiers: ClinVar variation 1020528 (VCV001020528.4), dbSNP rs767541817, ClinGen allele CA1754451.